The following is an entry in ClinVar:

NM_004218.4(RAB11B):c.525C>T (p.Ile175=)

Gene: RAB11B (RAB11B, member RAS oncogene family; plus strand). Cytogenetic location: 19p13.2.
Variant type: single nucleotide variant.
Coding change: c.525C>T on transcript NM_004218.4 (MANE Select); coding-DNA position 525, C replaced by T.
Protein change: p.Ile175=; no amino-acid change (isoleucine 175 retained).
Molecular consequence: synonymous variant.
Genome position (GRCh38, 1-based): chr19:8,403,426, C>T. VCF-style: chr19-8403426-C-T. GRCh37 (hg19) VCF-style: chr19-8468310-C-T.
Other names: c.525C>T (NM_004218.3).
Identifiers: ClinVar variation 1659847 (VCV001659847.10), dbSNP rs199957705, ClinGen allele CA9156418.
Genomic context (GRCh38, chr19:8,403,426, plus strand): 5'-AGGGCACGTGCTGGCTCACCCCACGTCCCCCTGTACCCCCTTTGCAGAGATCTACCGCAT[C>T]GTGTCACAGAAACAGATCGCAGACCGCGCTGCCCACGACGAGTCCCCGGGGAACAACGTG-3'
Protein context (NP_004209.2, residues 165-185): FKNILTEIYR[Ile175=]VSQKQIADRA

ClinVar aggregate classification (germline): Benign. Review status: criteria provided, single submitter (1 of 4 stars). 2 submissions from 2 submitters: Benign (1). 1 of the submissions does not count toward it. Last evaluated 2026-01-31.

Conditions:
RAB11B-related disorder. Also called: RAB11B-related condition.

Allele frequency attached by ClinVar (database versions not stated): gnomAD 0.00004 and 0.00005; TOPMed 0.00006; gnomAD exomes 0.00007 and 0.00017; 1000 Genomes Project 30x 0.00016; 1000 Genomes Project 0.00020; ExAC 0.00023.
gnomAD v4.1: 107 of 1,613,596 alleles (0.0066%); highest among the groups gnomAD compares: Admixed American, 0.062%; no homozygotes.

Submissions (2):

Labcorp Genetics (formerly Invitae), Labcorp
Classification: Benign. Last evaluated: 2026-01-31. Review status: criteria provided, single submitter. Criteria: Invitae Variant Classification Sherloc (09022015). Collection method: clinical testing. Allele origin: germline.

PreventionGenetics, part of Exact Sciences
Classification: Likely benign for RAB11B-related condition. Last evaluated: 2019-02-28. Review status: no assertion criteria provided. Collection method: clinical testing. Allele origin: germline. Not counted in ClinVar's aggregate classification.
Comment: This variant is classified as likely benign based on ACMG/AMP sequence variant interpretation guidelines (Richards et al. 2015 PMID: 25741868, with internal and published modifications).